The following is an entry in ClinVar:

NM_001458.5(FLNC):c.5612A>T (p.His1871Leu)

Genes: FLNC (filamin C; plus strand), FLNC-AS1 (FLNC antisense RNA 1; minus strand). Cytogenetic location: 7q32.1.
Variant type: single nucleotide variant.
Coding change: c.5612A>T on transcript NM_001458.5 (MANE Select); coding-DNA position 5612, A replaced by T.
Protein change: p.His1871Leu; replaces histidine 1871 with leucine.
Molecular consequence: missense variant.
Genome position (GRCh38, 1-based): chr7:128,851,304, A>T. VCF-style: chr7-128851304-A-T. GRCh37 (hg19) VCF-style: chr7-128491358-A-T.
Other names: c.5513A>T, p.His1838Leu (NM_001127487.2); short protein forms H1838L, H1871L.
Identifiers: ClinVar variation 3221738 (VCV003221738.1), dbSNP rs2536655767, ClinGen allele CA369207551.

ClinVar aggregate classification (germline): Uncertain significance (1 of 4 stars; one submission).

Conditions:
Cardiovascular phenotype. Identifiers: MedGen CN230736.

Submission:

Ambry Genetics
Classification: Uncertain significance for Cardiovascular phenotype. Last evaluated: 2023-11-09. Review status: criteria provided, single submitter. Criteria: Ambry Variant Classification Scheme 2023. Collection method: clinical testing. Allele origin: germline.
Comment: The p.H1871L variant (also known as c.5612A>T), located in coding exon 34 of the FLNC gene, results from an A to T substitution at nucleotide position 5612. The histidine at codon 1871 is replaced by leucine, an amino acid with similar properties. This amino acid position is conserved. In addition, the in silico prediction for this alteration is inconclusive. Since supporting evidence is limited at this time, the clinical significance of this alteration remains unclear.